The following is an entry in ClinVar:

NM_001388453.1(QRICH2):c.2526C>T (p.Val842=)

Gene: QRICH2 (glutamine rich 2; minus strand). Cytogenetic location: 17q25.1.
Variant type: single nucleotide variant.
Coding change: c.2526C>T on transcript NM_001388453.1 (MANE Select); coding-DNA position 2526, C replaced by T.
Protein change: p.Val842=; no amino-acid change (valine 842 retained).
Molecular consequence: synonymous variant.
Genome position (GRCh38, 1-based): chr17:76,292,201, G>A on the plus strand (C>T on the coding strand, the complement: QRICH2 is on the minus strand). VCF-style: chr17-76292201-G-A. GRCh37 (hg19) VCF-style: chr17-74288282-G-A.
Other names: c.2526C>T, p.Val842= (NM_032134.3).
Identifiers: ClinVar variation 3388071 (VCV003388071.14).
Genomic context (GRCh38, chr17:76,292,201, plus strand): 5'-GACCAAACCACGCTGATCTGCACCAGGTTGGACCAAACCATGCTGAACTGCACCAGGTTG[G>A]ACCAAACCACGCTGAACTGCACCAGGTTGAACCAAACCACGCTGATCCACTCCAGGTTGG-3'
Protein context (NP_001375382.1, residues 832-852): VQPGAVQRGL[Val842=]QPGAVQHGLV

ClinVar aggregate classification (germline): Likely benign (1 of 4 stars; one submission).

Submission:

CeGaT Center for Human Genetics Tuebingen
Classification: Likely benign. Last evaluated: 2026-08-01. Review status: criteria provided, single submitter. Criteria: CeGaT Center For Human Genetics Tuebingen Variant Classification Criteria Version 2. Collection method: clinical testing. Allele origin: germline. Affected: yes. Observed: 3 variant alleles.
Comment: QRICH2: BP4, BP7